The following is an entry in ClinVar:

ClinVar aggregate classification (germline): Pathogenic (1 of 4 stars; one submission).

Conditions:
Neurofibromatosis, type 1 (NF1). Also called: Neurofibromatosis, type I; NEUROFIBROMATOSIS, TYPE I, SOMATIC; Peripheral type neurofibromatosis; VON RECKLINGHAUSEN DISEASE. Identifiers: Orphanet 636, MedGen C0027831, MONDO:0018975, OMIM 162200. Disease mechanism: loss of function.

Submission:

Labcorp Genetics (formerly Invitae), Labcorp
Classification: Pathogenic for Neurofibromatosis, type 1. Last evaluated: 2023-05-13. Review status: criteria provided, single submitter. Criteria: Invitae Variant Classification Sherloc (09022015). Collection method: clinical testing. Allele origin: germline.
Comment: For these reasons, this variant has been classified as Pathogenic. This variant has not been reported in the literature in individuals affected with NF1-related conditions. This variant is not present in population databases (gnomAD no frequency). This sequence change creates a premature translational stop signal (p.Tyr1401Leufs*2) in the NF1 gene. It is expected to result in an absent or disrupted protein product. Loss-of-function variants in NF1 are known to be pathogenic (PMID: 10712197, 23913538).

Literature cited by the submitters: PubMed 10712197; PubMed 23913538.

NM_001042492.3(NF1):c.4264dup (p.Tyr1422fs)

Gene: NF1 (neurofibromin 1; plus strand). Cytogenetic location: 17q11.2.
Variant type: Duplication.
Coding change: c.4264dup on transcript NM_001042492.3 (MANE Select); coding-DNA position 4264, one base duplicated (T; older notation c.4264dupT).
Protein change: p.Tyr1422fs; shifts the reading frame from tyrosine 1422.
Molecular consequence: frameshift variant.
Genome position (GRCh38, 1-based): chr17:31,258,434, T duplicated. VCF-style (leftmost placement, unchanged base first): chr17-31258433-G-GT. GRCh37 (hg19) VCF-style: chr17-29585451-G-GT.
Other names: c.4201dup, p.Tyr1401Leufs (NM_000267.4); short protein forms Y1401fs, Y1422fs.
Identifiers: ClinVar variation 2863812 (VCV002863812.3), dbSNP rs2464856641, ClinGen allele CA2739267394.